The following is an entry in ClinVar:

ClinVar aggregate classification (germline): Likely pathogenic (1 of 4 stars; one submission).

Conditions:
Trichohepatoenteric syndrome. Also called: THE SYNDROME; Syndromic diarrhea; Tricho-hepato-enteric syndrome. Identifiers: Orphanet 84064, MedGen C1857276, MONDO:0009105.

Submission:

Women's Health and Genetics/Laboratory Corporation of America, LabCorp
Classification: Likely pathogenic for Trichohepatoenteric syndrome. Last evaluated: 2021-07-26. Review status: criteria provided, single submitter. Criteria: LabCorp Variant Classification Summary - May 2015. Collection method: clinical testing. Allele origin: germline.
Comment: Variant summary: TTC37 c.1134+1G>T is located in a canonical splice-site and is predicted to affect mRNA splicing resulting in a significantly altered protein due to either exon skipping, shortening, or inclusion of intronic material. Several computational tools predict a significant impact on normal splicing: Three predict the variant abolishes a 5 splicing donor site. However, these predictions have yet to be confirmed by functional studies. The variant was absent in 251202 control chromosomes (gnomAD). To our knowledge, no occurrence of c.1134+1G>T in individuals affected with Trichohepatoenteric Syndrome and no experimental evidence demonstrating its impact on protein function have been reported. No clinical diagnostic laboratories have submitted clinical-significance assessments for this variant to ClinVar after 2014. Based on the evidence outlined above, the variant was classified as likely pathogenic.

NM_014639.4(SKIC3):c.1134+1G>T

Gene: SKIC3 (SKI3 subunit of superkiller complex; minus strand). Cytogenetic location: 5q15.
Variant type: single nucleotide variant.
Coding change: c.1134+1G>T on transcript NM_014639.4 (MANE Select); the canonical splice donor site of the intron after coding-DNA position 1134, G replaced by T.
Molecular consequence: splice donor variant.
Genome position (GRCh38, 1-based): chr5:95,528,012, C>A on the plus strand (G>T on the coding strand, the complement: SKIC3 is on the minus strand). VCF-style: chr5-95528012-C-A. GRCh37 (hg19) VCF-style: chr5-94863716-C-A.
Identifiers: ClinVar variation 1192253 (VCV001192253.1), dbSNP rs2112344385, ClinGen allele CA360465336.